The following is an entry in ClinVar:

ClinVar aggregate classification (germline): Likely benign. Review status: criteria provided, single submitter (1 of 4 stars). 2 submissions from 2 submitters: Likely benign (1). 1 of the submissions does not count toward it. Last evaluated 2022-04-01.

Conditions:
NUP188-related disorder. Also called: NUP188-related condition.

Allele frequency attached by ClinVar (database versions not stated): gnomAD exomes 0.00026; ExAC 0.00106; gnomAD 0.00331; ESP Exome Variant Server 0.00346; 1000 Genomes Project 0.00459; 1000 Genomes Project 30x 0.00578.
gnomAD v4.1: 894 of 1,614,174 alleles (0.055%); highest among the groups gnomAD compares: African/African-American, 1.1%; 1 homozygote.

Submissions (13):

CeGaT Center for Human Genetics Tuebingen
Classification: Likely benign. Last evaluated: 2022-04-01. Review status: criteria provided, single submitter. Criteria: CeGaT Center For Human Genetics Tuebingen Variant Classification Criteria Version 2. Collection method: clinical testing. Allele origin: germline. Affected: yes. Observed: 1 variant allele.
Comment: NUP188: BS1

PreventionGenetics, part of Exact Sciences
Classification: Benign for NUP188-related condition. Last evaluated: 2019-11-26. Review status: no assertion criteria provided. Collection method: clinical testing. Allele origin: germline. Not counted in ClinVar's aggregate classification.
Comment: This variant is classified as benign based on ACMG/AMP sequence variant interpretation guidelines (Richards et al. 2015 PMID: 25741868, with internal and published modifications).

Dr. Peter K. Rogan Lab, Western University
No classification provided (evidence only). Condition: Malignant tumor of urinary bladder. Review status: no classification provided. Collection method: in vitro. Allele origin: not applicable. Functional consequence: retained intron. Not counted in ClinVar's aggregate classification.

Dr. Peter K. Rogan Lab, Western University
No classification provided (evidence only). Condition: Malignant tumor of urinary bladder. Review status: no classification provided. Collection method: in vitro. Allele origin: not applicable. Functional consequence: retained intron. Not counted in ClinVar's aggregate classification.

Dr. Peter K. Rogan Lab, Western University
No classification provided (evidence only). Condition: Clear cell carcinoma of kidney. Review status: no classification provided. Collection method: in vitro. Allele origin: not applicable. Functional consequence: retained intron. Not counted in ClinVar's aggregate classification.

Dr. Peter K. Rogan Lab, Western University
No classification provided (evidence only). Condition: Clear cell carcinoma of kidney. Review status: no classification provided. Collection method: in vitro. Allele origin: not applicable. Functional consequence: retained intron. Not counted in ClinVar's aggregate classification.

Dr. Peter K. Rogan Lab, Western University
No classification provided (evidence only). Condition: Lung cancer. Review status: no classification provided. Collection method: in vitro. Allele origin: not applicable. Functional consequence: retained intron. Not counted in ClinVar's aggregate classification.

Dr. Peter K. Rogan Lab, Western University
No classification provided (evidence only). Condition: Melanoma. Review status: no classification provided. Collection method: in vitro. Allele origin: not applicable. Functional consequence: retained intron. Not counted in ClinVar's aggregate classification.

Dr. Peter K. Rogan Lab, Western University
No classification provided (evidence only). Condition: Familial cancer of breast. Review status: no classification provided. Collection method: in vitro. Allele origin: not applicable. Functional consequence: retained intron. Not counted in ClinVar's aggregate classification.

Dr. Peter K. Rogan Lab, Western University
No classification provided (evidence only). Condition: Acute myeloid leukemia. Review status: no classification provided. Collection method: in vitro. Allele origin: not applicable. Functional consequence: retained intron. Not counted in ClinVar's aggregate classification.

Dr. Peter K. Rogan Lab, Western University
No classification provided (evidence only). Condition: Uterine corpus endometrial carcinoma. Review status: no classification provided. Collection method: in vitro. Allele origin: not applicable. Functional consequence: retained intron. Not counted in ClinVar's aggregate classification.

Dr. Peter K. Rogan Lab, Western University
No classification provided (evidence only). Condition: Uterine corpus endometrial carcinoma. Review status: no classification provided. Collection method: in vitro. Allele origin: not applicable. Functional consequence: retained intron. Not counted in ClinVar's aggregate classification.

Dr. Peter K. Rogan Lab, Western University
No classification provided (evidence only). Condition: Cervical cancer. Review status: no classification provided. Collection method: in vitro. Allele origin: not applicable. Functional consequence: retained intron. Not counted in ClinVar's aggregate classification.

NM_015354.3(NUP188):c.3839A>G (p.Asp1280Gly)

Gene: NUP188 (nucleoporin 188; plus strand). Cytogenetic location: 9q34.11.
Variant type: single nucleotide variant.
Coding change: c.3839A>G on transcript NM_015354.3 (MANE Select); coding-DNA position 3839, A replaced by G.
Protein change: p.Asp1280Gly; replaces aspartic acid 1280 with glycine.
Molecular consequence: missense variant.
Genome position (GRCh38, 1-based): chr9:128,999,801, A>G. VCF-style: chr9-128999801-A-G. GRCh37 (hg19) VCF-style: chr9-131762080-A-G.
Other names: NC_000009.11:g.131762080A>G; c.3839A>G (NM_015354.2); short protein forms D1280G.
Identifiers: ClinVar variation 2659562 (VCV002659562.26), dbSNP rs73624835, ClinGen allele CA5273088.